The following is an entry in ClinVar:

ClinVar aggregate classification (germline): Likely benign (1 of 4 stars; one submission).

Conditions:
Hereditary cancer-predisposing syndrome. Also called: Tumor predisposition; Hereditary Cancer Syndrome; Hereditary neoplastic syndrome; Neoplastic Syndromes, Hereditary. Identifiers: Orphanet 140162, MedGen C0027672, MeSH D009386, MONDO:0015356.

gnomAD v4.1: 1 of 1,611,464 alleles (0.000062%); highest among the groups gnomAD compares: Non-Finnish European, 0.000085%; no homozygotes.

Submissions (2):

Color Diagnostics, LLC DBA Color Health
Classification: Likely benign for Hereditary cancer-predisposing syndrome. Last evaluated: 2024-11-25. Review status: criteria provided, single submitter. Criteria: ACMG Guidelines, 2015. Collection method: clinical testing. Allele origin: germline.

Brotman Baty Institute, University of Washington
No classification provided (evidence only). Condition: Breast-ovarian cancer, familial 1. Review status: no classification provided. Collection method: in vitro. Allele origin: not applicable. Functional consequence: functionally_normal. Not counted in ClinVar's aggregate classification.
ClinVar note: "not provided" was previously submitted as the classification for the variant. However, the classification appeared to be based only on an observation of functional data so it was converted to no classification on 2025-07-30.

NM_007294.4(BRCA1):c.81-10A>G

Gene: BRCA1 (BRCA1 DNA repair associated; minus strand). Cytogenetic location: 17q21.31.
Variant type: single nucleotide variant.
Coding change: c.81-10A>G on transcript NM_007294.4 (MANE Select); 10 bases into the intron before coding-DNA position 81, A replaced by G.
Molecular consequence: intron variant.
Genome position (GRCh38, 1-based): chr17:43,115,789, T>C on the plus strand (A>G on the coding strand, the complement: BRCA1 is on the minus strand). VCF-style: chr17-43115789-T-C. GRCh37 (hg19) VCF-style: chr17-41267806-T-C.
Other names: c.-8+8228A>G (NM_001407849.1, NM_001407845.1, NM_001407744.1 and 23 more transcripts); c.81-10A>G (NM_001408413.1, NM_001407660.1, NM_001407661.1 and 191 more transcripts); c.-108-10A>G (NM_001407958.1, NM_001407955.1, NM_001408493.1 and 52 more transcripts); c.-339-10A>G (NM_001407965.1); c.-177-10A>G (NM_001407930.1, NM_001407843.1, NM_001408456.1 and 13 more transcripts); c.-181-10A>G (NM_001408465.1, NM_001407695.1); c.-61-10A>G (NM_001407920.1, NM_001408504.1, NM_001408463.1 and 47 more transcripts); c.-8+5769A>G (NM_001407751.1, NM_001407726.1); and 10 more.
Identifiers: ClinVar variation 867454 (VCV000867454.4), dbSNP rs548497799, ClinGen allele CA916081043.